The following is an entry in ClinVar:

ClinVar aggregate classification (germline): Uncertain significance (1 of 4 stars; one submission).

Allele frequency attached by ClinVar (database versions not stated): gnomAD exomes below 0.00001; TOPMed below 0.00001; gnomAD 0.00001.
gnomAD v4.1: 3 of 1,612,868 alleles (0.00019%); highest among the groups gnomAD compares: Non-Finnish European, 0.00025%; no homozygotes.

Submission:

Labcorp Genetics (formerly Invitae), Labcorp
Classification: Uncertain significance. Last evaluated: 2023-05-22. Review status: criteria provided, single submitter. Criteria: Invitae Variant Classification Sherloc (09022015). Collection method: clinical testing. Allele origin: germline.
Comment: In summary, the available evidence is currently insufficient to determine the role of this variant in disease. Therefore, it has been classified as a Variant of Uncertain Significance. Advanced modeling of protein sequence and biophysical properties (such as structural, functional, and spatial information, amino acid conservation, physicochemical variation, residue mobility, and thermodynamic stability) performed at Invitae indicates that this missense variant is expected to disrupt SEPT9 protein function. This variant has not been reported in the literature in individuals affected with SEPT9-related conditions. This variant is not present in population databases (gnomAD no frequency). This sequence change replaces glycine, which is neutral and non-polar, with valine, which is neutral and non-polar, at codon 278 of the SEPT9 protein (p.Gly278Val).

NM_001113491.2(SEPTIN9):c.887G>T (p.Gly296Val)

Gene: SEPTIN9 (septin 9; plus strand). Cytogenetic location: 17q25.3.
Variant type: single nucleotide variant.
Coding change: c.887G>T on transcript NM_001113491.2 (MANE Select); coding-DNA position 887, G replaced by T.
Protein change: p.Gly296Val; replaces glycine 296 with valine.
Molecular consequence: missense variant.
Genome position (GRCh38, 1-based): chr17:77,482,309, G>T. VCF-style: chr17-77482309-G-T. GRCh37 (hg19) VCF-style: chr17-75478391-G-T.
Other names: c.395G>T, p.Gly132Val (NM_001113492.2, NM_001113494.1); c.866G>T, p.Gly289Val (NM_001113493.2); c.134G>T, p.Gly45Val (NM_001113495.2, NM_001113496.2, NM_001293697.2 and 1 more transcripts); c.830G>T, p.Gly277Val (NM_001293695.2); c.215G>T, p.Gly72Val (NM_001293696.2); c.833G>T, p.Gly278Val (NM_006640.5); short protein forms G278V, G132V, G277V, G289V, G296V, G45V, G72V.
Identifiers: ClinVar variation 2873610 (VCV002873610.3), dbSNP rs2039488265, ClinGen allele CA401208020.
Genomic context (GRCh38, chr17:77,482,309, plus strand): 5'-TCGGCTACGTGGGGATTGACTCCATCCTGGAGCAGATGCGCCGGAAGGCCATGAAGCAGG[G>T]CTTCGAGTTCAACATCATGGTGGTCGGTGAGTCCTCACCTTGCATGCCACTCAACCAATG-3'
Protein context (NP_001106963.1, residues 286-306): EQMRRKAMKQ[Gly296Val]FEFNIMVVGQ